The following is an entry in ClinVar:

NM_006268.5(DPF2):c.482A>C (p.Asp161Ala)

Gene: DPF2 (double PHD fingers 2; plus strand). Cytogenetic location: 11q13.1.
Variant type: single nucleotide variant.
Coding change: c.482A>C on transcript NM_006268.5 (MANE Select); coding-DNA position 482, A replaced by C.
Protein change: p.Asp161Ala; replaces aspartic acid 161 with alanine.
Molecular consequence: missense variant.
Genome position (GRCh38, 1-based): chr11:65,343,761, A>C. VCF-style: chr11-65343761-A-C. GRCh37 (hg19) VCF-style: chr11-65111232-A-C.
Other names: c.482A>C, p.Asp161Ala (NM_001330308.2); short protein forms D161A.
Identifiers: ClinVar variation 3699140 (VCV003699140.2).

ClinVar aggregate classification (germline): Uncertain significance (1 of 4 stars; one submission).

Submission:

Labcorp Genetics (formerly Invitae), Labcorp
Classification: Uncertain significance. Last evaluated: 2024-08-13. Review status: criteria provided, single submitter. Criteria: Invitae Variant Classification Sherloc (09022015). Collection method: clinical testing. Allele origin: germline.
Comment: This sequence change replaces aspartic acid, which is acidic and polar, with alanine, which is neutral and non-polar, at codon 161 of the DPF2 protein (p.Asp161Ala). This variant is not present in population databases (gnomAD no frequency). This variant has not been reported in the literature in individuals affected with DPF2-related conditions. An algorithm developed to predict the effect of missense changes on protein structure and function (PolyPhen-2) suggests that this variant is likely to be tolerated. In summary, the available evidence is currently insufficient to determine the role of this variant in disease. Therefore, it has been classified as a Variant of Uncertain Significance.